The following is an entry in ClinVar:

ClinVar aggregate classification (germline): Conflicting classifications of pathogenicity. Review status: criteria provided, conflicting classifications (1 of 4 stars). 2 submissions from 2 submitters: Uncertain significance (1); Likely benign (1). Last evaluated 2025-07-13.

gnomAD v4.1: 5 of 1,613,922 alleles (0.00031%); highest among the groups gnomAD compares: Non-Finnish European, 0.00042%; no homozygotes.

Submissions (2):

Labcorp Genetics (formerly Invitae), Labcorp
Classification: Uncertain significance. Last evaluated: 2025-07-13. Review status: criteria provided, single submitter. Criteria: Invitae Variant Classification Sherloc (09022015). Collection method: clinical testing. Allele origin: germline.
Comment: The TCF3 gene has multiple clinically relevant transcripts. This variant occurs in alternate transcript NM_001136139.3, and corresponds to NM_003200.4:c.1823-511C>T in the primary transcript. This sequence change replaces arginine, which is basic and polar, with tryptophan, which is neutral and slightly polar, at codon 554 of the TCF3 protein (p.Arg554Trp). This variant is present in population databases (no rsID available, gnomAD 0.004%). This missense change has been observed in individual(s) with common variable immunodeficiency (PMID: 34619682). ClinVar contains an entry for this variant (Variation ID: 3694847). Algorithms developed to predict the effect of sequence changes on RNA splicing suggest that this variant is not likely to affect RNA splicing. In summary, the available evidence is currently insufficient to determine the role of this variant in disease. Therefore, it has been classified as a Variant of Uncertain Significance.

Blueprint Genetics
Classification: Likely benign. Last evaluated: 2021-01-29. Review status: criteria provided, single submitter. Criteria: ACMG Guidelines, 2015. Collection method: clinical testing. Allele origin: germline.

Literature cited by the submitters: PubMed 34619682 (cited by Labcorp Genetics (formerly Invitae), Labcorp).

NM_001136139.4(TCF3):c.1660C>T (p.Arg554Trp)

Gene: TCF3 (transcription factor 3; minus strand). Cytogenetic location: 19p13.3.
Variant type: single nucleotide variant.
Coding change: c.1660C>T on transcript NM_001136139.4 (MANE Plus Clinical); coding-DNA position 1660, C replaced by T.
Protein change: p.Arg554Trp; replaces arginine 554 with tryptophan.
Molecular consequence: missense variant. On other transcripts: intron variant (2).
Genome position (GRCh38, 1-based): chr19:1,612,360, G>A on the plus strand (C>T on the coding strand, the complement: TCF3 is on the minus strand). VCF-style: chr19-1612360-G-A. GRCh37 (hg19) VCF-style: chr19-1612359-G-A.
Other names: c.1660C>T, p.Arg554Trp (NM_001351779.2); c.1820-511C>T (NM_001351778.2); c.1823-511C>T (NM_003200.5); short protein forms R554W.
Identifiers: ClinVar variation 3694847 (VCV003694847.3).
Genomic context (GRCh38, chr19:1,612,360, plus strand): 5'-GGCACATGCGCCCCAGCTCCCGGAAGGCCTCGTTAATATCCCGCACGCGCACCCGCTCCC[G>A]CGCGTTATTGGCCATGCGCCTCTCCCGGTCCCTCAGGTCTTTCTCCTCCAGGGACAGCAC-3'
Protein context (NP_001129611.1, residues 544-564): DRERRMANNA[Arg554Trp]ERVRVRDINE